The following is an entry in ClinVar:

ClinVar aggregate classification (germline): Uncertain significance (1 of 4 stars; one submission).

Conditions:
Long QT syndrome (LQTS). Identifiers: MedGen C0023976, MeSH D008133, MONDO:0002442. Disease mechanism: loss of function. Inheritance: Various modes of inheritance.

Submission:

Labcorp Genetics (formerly Invitae), Labcorp
Classification: Uncertain significance for Long QT syndrome. Last evaluated: 2024-08-28. Review status: criteria provided, single submitter. Criteria: Invitae Variant Classification Sherloc (09022015). Collection method: clinical testing. Allele origin: germline.
Comment: This sequence change replaces glycine, which is neutral and non-polar, with arginine, which is basic and polar, at codon 685 of the ANK2 protein (p.Gly685Arg). This variant is not present in population databases (gnomAD no frequency). This variant has not been reported in the literature in individuals affected with ANK2-related conditions. Invitae Evidence Modeling of protein sequence and biophysical properties (such as structural, functional, and spatial information, amino acid conservation, physicochemical variation, residue mobility, and thermodynamic stability) has been performed for this missense variant. However, the output from this modeling did not meet the statistical confidence thresholds required to predict the impact of this variant on ANK2 protein function. In summary, the available evidence is currently insufficient to determine the role of this variant in disease. Therefore, it has been classified as a Variant of Uncertain Significance.

NM_001148.6(ANK2):c.2053G>A (p.Gly685Arg)

Gene: ANK2 (ankyrin 2; plus strand). Cytogenetic location: 4q26.
Variant type: single nucleotide variant.
Coding change: c.2053G>A on transcript NM_001148.6 (MANE Select); coding-DNA position 2053, G replaced by A.
Protein change: p.Gly685Arg; replaces glycine 685 with arginine.
Molecular consequence: missense variant.
Genome position (GRCh38, 1-based): chr4:113,282,846, G>A. VCF-style: chr4-113282846-G-A. GRCh37 (hg19) VCF-style: chr4-114204002-G-A.
Other names: c.2053G>A, p.Gly685Arg (NM_001354235.2, NM_001354236.2, NM_001354265.2 and 6 more transcripts); c.2098G>A, p.Gly700Arg (NM_001354237.2, NM_001354240.2, NM_001354241.2 and 5 more transcripts); c.1990G>A, p.Gly664Arg (NM_001354239.2, NM_001354243.2, NM_001354244.2 and 10 more transcripts); c.1954G>A, p.Gly652Arg (NM_001354245.2, NM_001354268.2); c.1867G>A, p.Gly623Arg (NM_001354260.2, NM_001386151.1, NM_001354271.2); c.2011G>A, p.Gly671Arg (NM_001354261.2, NM_001386147.1, NM_001386160.1); c.1966G>A, p.Gly656Arg (NM_001354264.2, NM_001354266.2, NM_001354267.2 and 10 more transcripts); c.1843G>A, p.Gly615Arg (NM_001354269.3); and 8 more; short protein forms G557R, G664R, G700R, G615R, G631R, G685R, G619R, G652R.
Identifiers: ClinVar variation 3663627 (VCV003663627.2).